The following is an entry in ClinVar:

ClinVar aggregate classification (germline): Uncertain significance. Review status: criteria provided, multiple submitters, no conflicts (2 of 4 stars). 3 submissions from 3 submitters: Uncertain significance (2). 1 of the submissions does not count toward it. Last evaluated 2022-08-09.

Conditions:
Decreased circulating carnitine concentration. Also called: Decreased plasma carnitine. Identifiers: MedGen C5848230, HP:0003234.
Renal carnitine transport defect (CDSP). Also called: Carnitine transporter deficiency; Carnitine Deficiency, Systemic; Primary carnitine deficiency; Systemic primary carnitine deficiency; Systemic primary carnitine deficiency disease; CARNITINE DEFICIENCY, SYSTEMIC, DUE TO DEFECT IN RENAL REABSORPTION OF CARNITINE. Identifiers: Orphanet 158, MedGen C0342788, MONDO:0008919, OMIM 212140.

Allele frequency attached by ClinVar (database versions not stated): TOPMed below 0.00001; gnomAD 0.00003 and 0.00005; gnomAD exomes 0.00004 and 0.00006; ExAC 0.00006; 1000 Genomes Project 30x 0.00031; 1000 Genomes Project 0.00040.
gnomAD v4.1: 69 of 1,614,172 alleles (0.0043%); highest among the groups gnomAD compares: South Asian, 0.035%; 1 homozygote.

Submissions (3):

Labcorp Genetics (formerly Invitae), Labcorp
Classification: Uncertain significance for Renal carnitine transport defect. Last evaluated: 2022-08-09. Review status: criteria provided, single submitter. Criteria: Invitae Variant Classification Sherloc (09022015). Collection method: clinical testing. Allele origin: germline.
Comment: This sequence change replaces leucine, which is neutral and non-polar, with serine, which is neutral and polar, at codon 424 of the SLC22A5 protein (p.Leu424Ser). This variant is present in population databases (rs184618759, gnomAD 0.03%). This variant has not been reported in the literature in individuals affected with SLC22A5-related conditions. ClinVar contains an entry for this variant (Variation ID: 845725). Algorithms developed to predict the effect of missense changes on protein structure and function are either unavailable or do not agree on the potential impact of this missense change (SIFT: "Deleterious"; PolyPhen-2: "Benign"; Align-GVGD: "Class C0"). In summary, the available evidence is currently insufficient to determine the role of this variant in disease. Therefore, it has been classified as a Variant of Uncertain Significance.

CeGaT Center for Human Genetics Tuebingen
Classification: Uncertain significance. Last evaluated: 2022-07-01. Review status: criteria provided, single submitter. Criteria: CeGaT Center For Human Genetics Tuebingen Variant Classification Criteria Version 2. Collection method: clinical testing. Allele origin: germline. Affected: yes. Observed: 1 variant allele.
Comment: SLC22A5: PM2, BP4

Natera, Inc.
Classification: Uncertain significance for Carnitine deficiency. Last evaluated: 2020-02-05. Review status: no assertion criteria provided. Collection method: clinical testing. Allele origin: germline. Not counted in ClinVar's aggregate classification.

NM_003060.4(SLC22A5):c.1271T>C (p.Leu424Ser)

Gene: SLC22A5 (solute carrier family 22 member 5; plus strand). Cytogenetic location: 5q31.1.
Variant type: single nucleotide variant.
Coding change: c.1271T>C on transcript NM_003060.4 (MANE Select); coding-DNA position 1271, T replaced by C.
Protein change: p.Leu424Ser; replaces leucine 424 with serine.
Molecular consequence: missense variant.
Genome position (GRCh38, 1-based): chr5:132,392,436, T>C. VCF-style: chr5-132392436-T-C. GRCh37 (hg19) VCF-style: chr5-131728128-T-C.
Other names: c.1343T>C, p.Leu448Ser (NM_001308122.2); short protein forms L448S, L424S.
Identifiers: ClinVar variation 845725 (VCV000845725.30), dbSNP rs184618759, ClinGen allele CA3404123.